The following is an entry in ClinVar:

NM_000051.4(ATM):c.4751G>A (p.Ser1584Asn)

Gene: ATM (ATM serine/threonine kinase; plus strand). Cytogenetic location: 11q22.3.
Variant type: single nucleotide variant.
Coding change: c.4751G>A on transcript NM_000051.4 (MANE Select); coding-DNA position 4751, G replaced by A.
Protein change: p.Ser1584Asn; replaces serine 1584 with asparagine.
Molecular consequence: missense variant.
Genome position (GRCh38, 1-based): chr11:108,293,452, G>A. VCF-style: chr11-108293452-G-A. GRCh37 (hg19) VCF-style: chr11-108164179-G-A.
Other names: c.4751G>A, p.Ser1584Asn (NM_001351834.2); short protein forms S1584N.
Identifiers: ClinVar variation 650127 (VCV000650127.8), dbSNP rs1591677692, ClinGen allele CA382535118.
Genomic context (GRCh38, chr11:108,293,452, plus strand): 5'-CTTTTCCTGACCATGTTGTTTTTAAGGATTTGCGTATTACTCAGCAAAAAATCAAATACA[G>A]TAGAGGACCCTTTTCACTCTTGGAGGTAATAAAAATTTCATCATCTACTATTTTTTATTA-3'
Protein context (NP_000042.3, residues 1574-1594): LRITQQKIKY[Ser1584Asn]RGPFSLLEEI

ClinVar aggregate classification (germline): Uncertain significance (1 of 4 stars; one submission).

Conditions:
Ataxia-telangiectasia syndrome (AT). Also called: ATAXIA-TELANGIECTASIA, FRESNO VARIANT; Ataxia-telangiectasia, complementation group E; Ataxia telangiectasia (A-T); Cerebello-oculocutaneous telangiectasia; Immunodeficiency with ataxia telangiectasia; LOUIS-BAR SYNDROME. Identifiers: Orphanet 100, MedGen C0004135, MONDO:0008840, OMIM 208900.

Submission:

Labcorp Genetics (formerly Invitae), Labcorp
Classification: Uncertain significance for Ataxia-telangiectasia syndrome. Last evaluated: 2023-09-17. Review status: criteria provided, single submitter. Criteria: Invitae Variant Classification Sherloc (09022015). Collection method: clinical testing. Allele origin: germline.
Comment: An algorithm developed to predict the effect of missense changes on protein structure and function (PolyPhen-2) suggests that this variant is likely to be tolerated. In summary, the available evidence is currently insufficient to determine the role of this variant in disease. Therefore, it has been classified as a Variant of Uncertain Significance. ClinVar contains an entry for this variant (Variation ID: 650127). This variant has not been reported in the literature in individuals affected with ATM-related conditions. This variant is not present in population databases (gnomAD no frequency). This sequence change replaces serine, which is neutral and polar, with asparagine, which is neutral and polar, at codon 1584 of the ATM protein (p.Ser1584Asn).